The following is an entry in ClinVar:

NM_014634.4(PPM1F):c.710G>A (p.Arg237His)

Gene: PPM1F (protein phosphatase, Mg2+/Mn2+ dependent 1F; minus strand). Cytogenetic location: 22q11.22.
Variant type: single nucleotide variant.
Coding change: c.710G>A on transcript NM_014634.4 (MANE Select); coding-DNA position 710, G replaced by A.
Protein change: p.Arg237His; replaces arginine 237 with histidine.
Molecular consequence: missense variant.
Genome position (GRCh38, 1-based): chr22:21,933,428, C>T on the plus strand (G>A on the coding strand, the complement: PPM1F is on the minus strand). VCF-style: chr22-21933428-C-T. GRCh37 (hg19) VCF-style: chr22-22287800-C-T.
Other names: c.206G>A, p.Arg69His (NM_001410836.1); short protein forms R69H, R237H.
Identifiers: ClinVar variation 3702651 (VCV003702651.2).

ClinVar aggregate classification (germline): Uncertain significance (1 of 4 stars; one submission).

gnomAD v4.1: 79 of 1,612,182 alleles (0.0049%); highest among the groups gnomAD compares: South Asian, 0.0077%; no homozygotes.

Submission:

Labcorp Genetics (formerly Invitae), Labcorp
Classification: Uncertain significance. Last evaluated: 2025-04-26. Review status: criteria provided, single submitter. Criteria: Invitae Variant Classification Sherloc (09022015). Collection method: clinical testing. Allele origin: germline.
Comment: This sequence change replaces arginine, which is basic and polar, with histidine, which is basic and polar, at codon 237 of the PPM1F protein (p.Arg237His). This variant is present in population databases (rs140855421, gnomAD 0.02%). This variant has not been reported in the literature in individuals affected with PPM1F-related conditions. ClinVar contains an entry for this variant (Variation ID: 3702651). An algorithm developed to predict the effect of missense changes on protein structure and function outputs the following: PolyPhen-2: "Benign". The histidine amino acid residue is found in multiple mammalian species, which suggests that this missense change does not adversely affect protein function. In summary, the available evidence is currently insufficient to determine the role of this variant in disease. Therefore, it has been classified as a Variant of Uncertain Significance.